The following is an entry in ClinVar:

ClinVar aggregate classification (germline): Uncertain significance. Review status: criteria provided, multiple submitters, no conflicts (2 of 4 stars). 2 submissions from 2 submitters: Uncertain significance (2). Last evaluated 2022-04-29.

Conditions:
Muscular dystrophy-dystroglycanopathy (congenital with impaired intellectual development), type B, 2. Also called: Muscular dystrophy-dystroglycanopathy (congenital with intellectual disability), type B2; MUSCULAR DYSTROPHY, CONGENITAL, POMT2-RELATED. Identifiers: MedGen C3150416, MONDO:0013160, OMIM 613156.
Autosomal recessive limb-girdle muscular dystrophy type 2N. Also called: Muscular dystrophy-dystroglycanopathy (limb-girdle), type C, 2; MUSCULAR DYSTROPHY-DYSTROGLYCANOPATHY, LIMB-GIRDLE, POMT2-RELATED. Identifiers: Orphanet 206559, MedGen C3150418, MONDO:0013162, OMIM 613158.
Muscular dystrophy-dystroglycanopathy (congenital with brain and eye anomalies), type A2. Also called: MUSCULAR DYSTROPHY-DYSTROGLYCANOPATHY (CONGENITAL WITH BRAIN AND EYE ANOMALIES), TYPE A, 2; WALKER-WARBURG SYNDROME OR MUSCLE-EYE-BRAIN DISEASE, POMT2-RELATED. Identifiers: Orphanet 588, Orphanet 899, MedGen C3150411, MONDO:0013154, OMIM 613150.

Allele frequency attached by ClinVar (database versions not stated): TOPMed 0.00001; gnomAD 0.00007; ExAC 0.00008; gnomAD exomes 0.00003 and 0.00008.
gnomAD v4.1: 56 of 1,612,662 alleles (0.0035%); highest among the groups gnomAD compares: Non-Finnish European, 0.0014%; no homozygotes.

Submissions (2):

Revvity Omics, Revvity
Classification: Uncertain significance. Last evaluated: 2022-04-29. Review status: criteria provided, single submitter. Criteria: ACMG Guidelines, 2015. Collection method: clinical testing. Allele origin: germline.

Labcorp Genetics (formerly Invitae), Labcorp
Classification: Uncertain significance for Muscular dystrophy-dystroglycanopathy (congenital with impaired intellectual development), type B, 2; Muscular dystrophy-dystroglycanopathy (congenital with brain and eye anomalies), type A2; Autosomal recessive limb-girdle muscular dystrophy type 2N. Last evaluated: 2021-09-01. Review status: criteria provided, single submitter. Criteria: Invitae Variant Classification Sherloc (09022015). Collection method: clinical testing. Allele origin: germline.
Comment: This sequence change replaces valine with methionine at codon 518 of the POMT2 protein (p.Val518Met). The valine residue is moderately conserved and there is a small physicochemical difference between valine and methionine. This variant is present in population databases (rs200762716, ExAC 0.09%). This variant has not been reported in the literature in individuals affected with POMT2-related conditions. Algorithms developed to predict the effect of missense changes on protein structure and function are either unavailable or do not agree on the potential impact of this missense change (SIFT: "Deleterious"; PolyPhen-2: "Probably Damaging"; Align-GVGD: "Class C0"). In summary, the available evidence is currently insufficient to determine the role of this variant in disease. Therefore, it has been classified as a Variant of Uncertain Significance.

NM_013382.7(POMT2):c.1552G>A (p.Val518Met)

Gene: POMT2 (protein O-mannosyltransferase 2; minus strand). Cytogenetic location: 14q24.3.
Variant type: single nucleotide variant.
Coding change: c.1552G>A on transcript NM_013382.7 (MANE Select); coding-DNA position 1552, G replaced by A.
Protein change: p.Val518Met; replaces valine 518 with methionine.
Molecular consequence: missense variant.
Genome position (GRCh38, 1-based): chr14:77,284,974, C>T on the plus strand (G>A on the coding strand, the complement: POMT2 is on the minus strand). VCF-style: chr14-77284974-C-T. GRCh37 (hg19) VCF-style: chr14-77751317-C-T.
Other names: short protein forms V518M.
Identifiers: ClinVar variation 538733 (VCV000538733.8), dbSNP rs200762716, ClinGen allele CA7285813.